The following is an entry in ClinVar:

ClinVar aggregate classification (germline): Pathogenic/Likely pathogenic. Review status: criteria provided, multiple submitters, no conflicts (2 of 4 stars). 3 submissions from 3 submitters: Pathogenic (2); Likely pathogenic (1). Last evaluated 2023-10-07.

Conditions:
Zellweger spectrum disorders (ZS). Also called: Zellweger syndrome; Zellweger Spectrum Disorder (ZSD); Zellweger Spectrum Disorder; Zellweger Spectrum. Identifiers: Orphanet 912, MedGen C0043459, MONDO:0019609.
Heimler syndrome 1 (HMLR1). Also called: PEROXISOME BIOGENESIS DISORDER 1C. Identifiers: Orphanet 3220, MedGen C4551980, OMIM 234580, MONDO:0024544.
Peroxisome biogenesis disorder. Identifiers: Orphanet 79189, MedGen C1832200, MONDO:0019234. Disease mechanism: loss of function.

Submissions (3):

Baylor Genetics
Classification: Pathogenic for Heimler syndrome 1. Last evaluated: 2023-10-07. Review status: criteria provided, single submitter. Criteria: ACMG Guidelines, 2015. Collection method: clinical testing. Allele origin: unknown.

Labcorp Genetics (formerly Invitae), Labcorp
Classification: Pathogenic for Zellweger spectrum disorders. Last evaluated: 2023-05-11. Review status: criteria provided, single submitter. Criteria: Invitae Variant Classification Sherloc (09022015). Collection method: clinical testing. Allele origin: germline.
Comment: This sequence change creates a premature translational stop signal (p.Phe1086Leufs*18) in the PEX1 gene. It is expected to result in an absent or disrupted protein product. Loss-of-function variants in PEX1 are known to be pathogenic (PMID: 9398847, 16086329, 16141001, 21031596, 26387595, 31831025). This variant is not present in population databases (gnomAD no frequency). This variant has not been reported in the literature in individuals affected with PEX1-related conditions. Algorithms developed to predict the effect of sequence changes on RNA splicing suggest that this variant may disrupt the consensus splice site. For these reasons, this variant has been classified as Pathogenic.

Myriad Genetics, Inc.
Classification: Likely pathogenic for Peroxisome biogenesis disorder. Last evaluated: 2021-12-26. Review status: criteria provided, single submitter. Criteria: Myriad Autosomal Dominant, Autosomal Recessive and X-Linked Classification Criteria (2023). Collection method: clinical testing. Allele origin: unknown.
Comment: NM_000466.2(PEX1):c.3258_3261delTCTT(F1086Lfs*18) is expected to be pathogenic in the context of peroxisome biogenesis disorder type 1. This variant is predicted to lead to an abnormal or absent protein product due to the creation of a premature termination codon in PEX1, a gene where loss-of-function variants are known to be pathogenic. Please note: this variant was assessed in the context of healthy population screening.

Literature cited by the submitters: PubMed 9398847 (cited by Labcorp Genetics (formerly Invitae), Labcorp); PubMed 16086329 (cited by Labcorp Genetics (formerly Invitae), Labcorp); PubMed 16141001 (cited by Labcorp Genetics (formerly Invitae), Labcorp); PubMed 21031596 (cited by Labcorp Genetics (formerly Invitae), Labcorp); PubMed 26387595 (cited by Labcorp Genetics (formerly Invitae), Labcorp); PubMed 31831025 (cited by Labcorp Genetics (formerly Invitae), Labcorp).

NM_000466.3(PEX1):c.3258_3261del (p.Phe1086fs)

Genes: GATAD1 (GATA zinc finger domain containing 1; plus strand), PEX1 (peroxisomal biogenesis factor 1; minus strand). Cytogenetic location: 7q21.2.
Variant type: Microsatellite.
Coding change: c.3258_3261del on transcript NM_000466.3 (MANE Select); coding-DNA positions 3258 to 3261, 4 bases deleted (TCTT; older notation c.3258_3261delTCTT).
Protein change: p.Phe1086fs; shifts the reading frame from phenylalanine 1086.
Molecular consequence: frameshift variant.
Genome position (GRCh38, 1-based): chr7:92,491,449-92,491,452, AAGA deleted on the plus strand (TCTT on the coding strand, the reverse complement: PEX1 is on the minus strand); deleting any 4 consecutive bases within chr7:92,491,449-92,491,456 gives the same sequence; the c. name uses the placement nearest the transcript's 3' end. VCF-style (leftmost placement, unchanged base first): chr7-92491448-TAAGA-T. GRCh37 (hg19) VCF-style: chr7-92120762-TAAGA-T.
Other names: c.3087_3090del, p.Phe1029fs (NM_001282677.2); c.2634_2637del, p.Phe878fs (NM_001282678.2); short protein forms F1029fs, F1086fs, F878fs.
Identifiers: ClinVar variation 1726581 (VCV001726581.7), dbSNP rs2484621668, ClinGen allele CA2580615929.
Genomic context (GRCh38, chr7:92,491,448, plus strand): 5'-GGGACTGATCTAAGCCACATTCTCCATCTCCAGCTGAATCGTCAGAGCCACTGCTATGGT[TAAGA>T]AAGACCATTGAAGACAGACTTAGGTCACTATCAGAGCTGGAACTTCCATCCTAAAATACA-3'